The following is an entry in ClinVar:

ClinVar aggregate classification (germline): Uncertain significance (1 of 4 stars; one submission).

Conditions:
Aortic valve disease 2 (AOVD2). Identifiers: MedGen C3542024, MONDO:0013902, OMIM 614823.

Submission:

Labcorp Genetics (formerly Invitae), Labcorp
Classification: Uncertain significance for Aortic valve disease 2. Last evaluated: 2025-08-31. Review status: criteria provided, single submitter. Criteria: Invitae Variant Classification Sherloc (09022015). Collection method: clinical testing. Allele origin: germline.
Comment: This sequence change replaces proline, which is neutral and non-polar, with serine, which is neutral and polar, at codon 277 of the SMAD6 protein (p.Pro277Ser). This variant is present in population databases (rs756227691, gnomAD 0.01%). This variant has not been reported in the literature in individuals affected with SMAD6-related conditions. Invitae Evidence Modeling of protein sequence and biophysical properties (such as structural, functional, and spatial information, amino acid conservation, physicochemical variation, residue mobility, and thermodynamic stability) has been performed for this missense variant. However, the output from this modeling did not meet the statistical confidence thresholds required to predict the impact of this variant on SMAD6 protein function. In summary, the available evidence is currently insufficient to determine the role of this variant in disease. Therefore, it has been classified as a Variant of Uncertain Significance.

NM_005585.5(SMAD6):c.829C>T (p.Pro277Ser)

Gene: SMAD6 (SMAD family member 6; plus strand). Cytogenetic location: 15q22.31.
Variant type: single nucleotide variant.
Coding change: c.829C>T on transcript NM_005585.5 (MANE Select); coding-DNA position 829, C replaced by T.
Protein change: p.Pro277Ser; replaces proline 277 with serine.
Molecular consequence: missense variant. On other transcripts: non-coding transcript variant (1).
Genome position (GRCh38, 1-based): chr15:66,711,679, C>T. VCF-style: chr15-66711679-C-T. GRCh37 (hg19) VCF-style: chr15-67004017-C-T.
Other names: short protein forms P277S.
Identifiers: ClinVar variation 4749794 (VCV004749794.1).